The following is an entry in ClinVar:

ClinVar aggregate classification (germline): Benign/Likely benign. Review status: criteria provided, multiple submitters, no conflicts (2 of 4 stars). 3 submissions from 3 submitters: Benign (1); Likely benign (2). Last evaluated 2024-07-01.

Conditions:
Hereditary cancer-predisposing syndrome. Also called: Hereditary neoplastic syndrome; Hereditary Cancer Syndrome; Tumor predisposition; Neoplastic Syndromes, Hereditary. Identifiers: Orphanet 140162, MedGen C0027672, MeSH D009386, MONDO:0015356.
Oligodontia-cancer predisposition syndrome. Also called: TOOTH AGENESIS-COLORECTAL CANCER SYNDROME. Identifiers: Orphanet 300576, MedGen C1837750, MONDO:0012075, OMIM 608615. Disease mechanism: loss of function.

Allele frequency attached by ClinVar (database versions not stated): TOPMed below 0.00001; gnomAD 0.00001.

Submissions (3):

Myriad Genetics, Inc.
Classification: Benign for Oligodontia-cancer predisposition syndrome. Last evaluated: 2024-07-01. Review status: criteria provided, single submitter. Criteria: Myriad Autosomal Dominant, Autosomal Recessive and X-Linked Classification Criteria (2023). Collection method: clinical testing. Allele origin: unknown.
Comment: This variant is considered benign. This variant is a silent/synonymous amino acid change and it is not expected to impact splicing.

Ambry Genetics
Classification: Likely benign for Hereditary cancer-predisposing syndrome. Last evaluated: 2024-01-01. Review status: criteria provided, single submitter. Criteria: Ambry Variant Classification Scheme 2023. Collection method: clinical testing. Allele origin: germline.

Labcorp Genetics (formerly Invitae), Labcorp
Classification: Likely benign for Oligodontia-cancer predisposition syndrome. Last evaluated: 2022-12-07. Review status: criteria provided, single submitter. Criteria: Invitae Variant Classification Sherloc (09022015). Collection method: clinical testing. Allele origin: germline.

NM_004655.4(AXIN2):c.1158G>A (p.Glu386=)

Gene: AXIN2 (axin 2; minus strand). Cytogenetic location: 17q24.1.
Variant type: single nucleotide variant.
Coding change: c.1158G>A on transcript NM_004655.4 (MANE Select); coding-DNA position 1158, G replaced by A.
Protein change: p.Glu386=; no amino-acid change (glutamic acid 386 retained).
Molecular consequence: synonymous variant.
Genome position (GRCh38, 1-based): chr17:65,538,245, C>T on the plus strand (G>A on the coding strand, the complement: AXIN2 is on the minus strand). VCF-style: chr17-65538245-C-T. GRCh37 (hg19) VCF-style: chr17-63534363-C-T.
Other names: c.1158G>A (NM_004655.3); c.1158G>A, p.Glu386= (NM_001363813.1).
Identifiers: ClinVar variation 1137442 (VCV001137442.11), dbSNP rs1357746305, ClinGen allele CA501476297.
Genomic context (GRCh38, chr17:65,538,245, plus strand): 5'-AGGCCTAGGCCGCATTACCTCTCGGATCTGCTGCAGGCGCTCCTCCAGGCTGTGGCGGCT[C>T]TCCAACTCCAGCTTCAGCTTTTCCAGCCTCGAGATCAGCTCAGCTGCAAAGGTGGCGGGT-3'
Protein context (NP_004646.3, residues 376-396): SRLEKLKLEL[Glu386=]SRHSLEERLQ